The following is an entry in ClinVar:

ClinVar aggregate classification (germline): Likely benign (1 of 4 stars; one submission).

Allele frequency attached by ClinVar (database versions not stated): TOPMed 0.00001; gnomAD exomes 0.00002.
gnomAD v4.1: 25 of 1,613,844 alleles (0.0015%); highest among the groups gnomAD compares: Non-Finnish European, 0.002%; no homozygotes.

Submission:

CeGaT Center for Human Genetics Tuebingen
Classification: Likely benign. Last evaluated: 2023-02-01. Review status: criteria provided, single submitter. Criteria: CeGaT Center For Human Genetics Tuebingen Variant Classification Criteria Version 2. Collection method: clinical testing. Allele origin: germline. Affected: yes. Observed: 1 variant allele.
Comment: CHD3: BP4, BP7

NM_001005273.3(CHD3):c.4398T>C (p.Pro1466=)

Gene: CHD3 (chromodomain helicase DNA binding protein 3; plus strand). Cytogenetic location: 17p13.1.
Variant type: single nucleotide variant.
Coding change: c.4398T>C on transcript NM_001005273.3 (MANE Select); coding-DNA position 4398, T replaced by C.
Protein change: p.Pro1466=; no amino-acid change (proline 1466 retained).
Molecular consequence: synonymous variant.
Genome position (GRCh38, 1-based): chr17:7,906,592, T>C. VCF-style: chr17-7906592-T-C. GRCh37 (hg19) VCF-style: chr17-7809910-T-C.
Other names: c.4575T>C, p.Pro1525= (NM_001005271.3); c.4398T>C, p.Pro1466= (NM_005852.4).
Identifiers: ClinVar variation 2498690 (VCV002498690.28), dbSNP rs1281146948, ClinGen allele CA497748803.